The following is an entry in ClinVar:

ClinVar aggregate classification (germline): Uncertain significance. Review status: criteria provided, multiple submitters, no conflicts (2 of 4 stars). 2 submissions from 2 submitters: Uncertain significance (2). Last evaluated 2024-11-28.

Conditions:
Inborn genetic diseases. Identifiers: MedGen C0950123, MeSH D030342.
Baller-Gerold syndrome (BGS). Also called: CRANIOSYNOSTOSIS WITH RADIAL DEFECTS. Identifiers: Orphanet 1225, MedGen C0265308, MONDO:0009039, OMIM 218600.

gnomAD v4.1: 3 of 1,600,864 alleles (0.00019%); highest among the groups gnomAD compares: East Asian, 0.0023%; no homozygotes.

Submissions (2):

Ambry Genetics
Classification: Uncertain significance for Inborn genetic diseases. Last evaluated: 2024-11-28. Review status: criteria provided, single submitter. Criteria: Ambry Variant Classification Scheme 2023. Collection method: clinical testing. Allele origin: germline.
Comment: The p.A912T variant (also known as c.2734G>A), located in coding exon 15 of the RECQL4 gene, results from a G to A substitution at nucleotide position 2734. The alanine at codon 912 is replaced by threonine, an amino acid with similar properties. This amino acid position is conserved. Based on the available evidence, the clinical significance of this variant remains unclear.

Labcorp Genetics (formerly Invitae), Labcorp
Classification: Uncertain significance for Baller-Gerold syndrome. Last evaluated: 2022-06-26. Review status: criteria provided, single submitter. Criteria: Invitae Variant Classification Sherloc (09022015). Collection method: clinical testing. Allele origin: germline.
Comment: In summary, the available evidence is currently insufficient to determine the role of this variant in disease. Therefore, it has been classified as a Variant of Uncertain Significance. Experimental studies and prediction algorithms are not available or were not evaluated, and the functional significance of this variant is currently unknown. This variant has not been reported in the literature in individuals affected with RECQL4-related conditions. This variant is not present in population databases (gnomAD no frequency). This sequence change replaces alanine, which is neutral and non-polar, with threonine, which is neutral and polar, at codon 912 of the RECQL4 protein (p.Ala912Thr).

NM_004260.4(RECQL4):c.2734G>A (p.Ala912Thr)

Gene: RECQL4 (RecQ like helicase 4; minus strand). Cytogenetic location: 8q24.3.
Variant type: single nucleotide variant.
Coding change: c.2734G>A on transcript NM_004260.4 (MANE Select); coding-DNA position 2734, G replaced by A.
Protein change: p.Ala912Thr; replaces alanine 912 with threonine.
Molecular consequence: missense variant.
Genome position (GRCh38, 1-based): chr8:144,512,868, C>T on the plus strand (G>A on the coding strand, the complement: RECQL4 is on the minus strand). VCF-style: chr8-144512868-C-T. GRCh37 (hg19) VCF-style: chr8-145738251-C-T.
Other names: c.2602G>A, p.Ala868Thr (NM_001413033.1); c.1663G>A, p.Ala555Thr (NM_001413034.1, NM_001413035.1, NM_001413040.1 and 5 more transcripts); c.2734G>A, p.Ala912Thr (NM_001413036.1, NM_001413019.1); c.1531G>A, p.Ala511Thr (NM_001413037.1); c.1465G>A, p.Ala489Thr (NM_001413038.1, NM_001413031.1); c.2704G>A, p.Ala902Thr (NM_001413039.1); c.1597G>A, p.Ala533Thr (NM_001413041.1, NM_001413027.1, NM_001413030.1 and 1 more transcripts); c.1633G>A, p.Ala545Thr (NM_001413042.1); and 7 more; short protein forms A423T, A489T, A814T, A868T, A880T, A511T, A555T, A795T.
Identifiers: ClinVar variation 2196653 (VCV002196653.5), dbSNP rs2130669439, ClinGen allele CA372674878.